The following is an entry in ClinVar:

NM_213655.5(WNK1):c.2162C>T (p.Ser721Leu)

Gene: WNK1 (WNK lysine deficient protein kinase 1; plus strand). Cytogenetic location: 12p13.33.
Variant type: single nucleotide variant.
Coding change: c.2162C>T on transcript NM_213655.5 (MANE Plus Clinical); coding-DNA position 2162, C replaced by T.
Protein change: p.Ser721Leu; replaces serine 721 with leucine.
Molecular consequence: missense variant. On other transcripts: intron variant (3).
Genome position (GRCh38, 1-based): chr12:865,132, C>T. VCF-style: chr12-865132-C-T. GRCh37 (hg19) VCF-style: chr12-974298-C-T.
Other names: c.2162C>T (NM_213655.4); c.2140-2734C>T (NM_001184985.2); c.2139+2862C>T (NM_018979.4, NM_014823.3); short protein forms S721L.
Identifiers: ClinVar variation 1690573 (VCV001690573.8), dbSNP rs556259173, ClinGen allele CA231495113.

ClinVar aggregate classification (germline): Uncertain significance. Review status: criteria provided, multiple submitters, no conflicts (2 of 4 stars). 3 submissions from 3 submitters: Uncertain significance (3). Last evaluated 2023-09-25.

Conditions:
Neuropathy, hereditary sensory and autonomic, type 2A (HSAN2A). Also called: ACROOSTEOLYSIS, GIACCAI TYPE; ACROOSTEOLYSIS, NEUROGENIC; HSAN IIA; WNK1-Related HSAN2 (HSAN2A); MORVAN DISEASE; NEUROPATHY, CONGENITAL SENSORY. Identifiers: Orphanet 970, MedGen C2752089, MONDO:0024309, OMIM 201300.
Pseudohypoaldosteronism type 2C (PHA2C). Also called: Pseudohypoaldosteronism Type IIC. Identifiers: Orphanet 757, Orphanet 88940, MedGen C1840391, MONDO:0013778, OMIM 614492.

Allele frequency attached by ClinVar (database versions not stated): gnomAD exomes 0.00001; TOPMed 0.00001; gnomAD 0.00003; 1000 Genomes Project 0.00020.
gnomAD v4.1: 14 of 1,514,934 alleles (0.00092%); highest among the groups gnomAD compares: East Asian, 0.0025%; no homozygotes.

Submissions (3):

Labcorp Genetics (formerly Invitae), Labcorp
Classification: Uncertain significance for Neuropathy, hereditary sensory and autonomic, type 2A; Pseudohypoaldosteronism type 2C. Last evaluated: 2023-09-25. Review status: criteria provided, single submitter. Criteria: Invitae Variant Classification Sherloc (09022015). Collection method: clinical testing. Allele origin: germline.
Comment: In summary, the available evidence is currently insufficient to determine the role of this variant in disease. Therefore, it has been classified as a Variant of Uncertain Significance. Advanced modeling of protein sequence and biophysical properties (such as structural, functional, and spatial information, amino acid conservation, physicochemical variation, residue mobility, and thermodynamic stability) performed at Invitae indicates that this missense variant is not expected to disrupt WNK1 protein function. ClinVar contains an entry for this variant (Variation ID: 1690573). This variant has not been reported in the literature in individuals affected with WNK1-related conditions. The frequency data for this variant in the population databases is considered unreliable, as metrics indicate poor data quality at this position in the gnomAD database. This sequence change replaces serine, which is neutral and polar, with leucine, which is neutral and non-polar, at codon 721 of the WNK1 protein (p.Ser721Leu).

Fulgent Genetics
Classification: Uncertain significance for Neuropathy, hereditary sensory and autonomic, type 2A; Pseudohypoaldosteronism type 2C. Last evaluated: 2022-03-14. Review status: criteria provided, single submitter. Criteria: ACMG Guidelines, 2015. Collection method: clinical testing. Allele origin: unknown.

Laboratorio de Genetica e Diagnostico Molecular, Hospital Israelita Albert Einstein
Classification: Uncertain significance. Last evaluated: 2022-02-12. Review status: criteria provided, single submitter. Criteria: ACMG Guidelines, 2015. Collection method: clinical testing. Allele origin: germline. Affected: yes.
Comment: ACMG classification criteria: BP4